The following is an entry in ClinVar:

NM_005639.3(SYT1):c.920G>A (p.Gly307Asp)

Gene: SYT1 (synaptotagmin 1; plus strand). Cytogenetic location: 12q21.2.
Variant type: single nucleotide variant.
Coding change: c.920G>A on transcript NM_005639.3 (MANE Select); coding-DNA position 920, G replaced by A.
Protein change: p.Gly307Asp; replaces glycine 307 with aspartic acid.
Molecular consequence: missense variant.
Genome position (GRCh38, 1-based): chr12:79,353,611, G>A. VCF-style: chr12-79353611-G-A. GRCh37 (hg19) VCF-style: chr12-79747391-G-A.
Other names: c.920G>A, p.Gly307Asp (NM_001135805.2, NM_001135806.2); c.911G>A, p.Gly304Asp (NM_001291901.2); short protein forms G304D, G307D.
Identifiers: ClinVar variation 1709375 (VCV001709375.2), dbSNP rs2547708515, ClinGen allele CA385930618.

ClinVar aggregate classification (germline): Likely pathogenic (1 of 4 stars; one submission).

Conditions:
Infantile hypotonia-oculomotor anomalies-hyperkinetic movements-developmental delay syndrome. Also called: BAKER-GORDON SYNDROME; NEURODEVELOPMENTAL DISORDER WITH INVOLUNTARY MOVEMENT AND ABNORMAL ELECTROENCEPHALOGRAM. Identifiers: Orphanet 522077, MedGen C4748715, MONDO:0033864, OMIM 618218.

Submission:

MGZ Medical Genetics Center
Classification: Likely pathogenic for Infantile hypotonia-oculomotor anomalies-hyperkinetic movements-developmental delay syndrome. Last evaluated: 2022-05-05. Review status: criteria provided, single submitter. Criteria: ACMG Guidelines, 2015. Collection method: clinical testing. Allele origin: germline. Affected: yes. Observed: 1 variant allele.
Comment: ACMG criteria applied: PS2_MOD, PM1, PM2_SUP, PP2, PP3